The following is an entry in ClinVar:

ClinVar aggregate classification (germline): Pathogenic/Likely pathogenic. Review status: criteria provided, multiple submitters, no conflicts (2 of 4 stars). 4 submissions from 4 submitters: Pathogenic (1); Likely pathogenic (2). 1 of the submissions does not count toward it. Last evaluated 2025-03-17.

Conditions:
Singleton-Merten syndrome 1 (SGMRT1). Also called: Widened medullary cavities of bone, aortic calcification, abnormal dentition, and muscular weakness; Syndrome of widened medullary cavities of the metacarpals and phalanges, aortic calcification and abnormal dentition. Identifiers: Orphanet 85191, MedGen C4225427, MONDO:0024535, OMIM 182250.
Aicardi-Goutieres syndrome 7 (AGS7). Identifiers: Orphanet 51, MedGen C3888244, MONDO:0014367, OMIM 615846.

Submissions (4):

Labcorp Genetics (formerly Invitae), Labcorp
Classification: Pathogenic for Aicardi-Goutieres syndrome 7; Singleton-Merten syndrome 1. Last evaluated: 2025-03-17. Review status: criteria provided, single submitter. Criteria: Invitae Variant Classification Sherloc (09022015). Collection method: clinical testing. Allele origin: germline.
Comment: This sequence change replaces arginine, which is basic and polar, with leucine, which is neutral and non-polar, at codon 779 of the IFIH1 protein (p.Arg779Leu). This variant is not present in population databases (gnomAD no frequency). This missense change has been observed in individual(s) with Aicardi–Goutières syndrome (PMID: 31898846). In at least one individual the variant was observed to be de novo. This missense change has been observed in at least one individual who was not affected with IFIH1-related conditions (internal data). ClinVar contains an entry for this variant (Variation ID: 812532). Invitae Evidence Modeling of protein sequence and biophysical properties (such as structural, functional, and spatial information, amino acid conservation, physicochemical variation, residue mobility, and thermodynamic stability) indicates that this missense variant is expected to disrupt IFIH1 protein function with a positive predictive value of 95%. This variant disrupts the p.Arg779 amino acid residue in IFIH1. Other variant(s) that disrupt this residue have been determined to be pathogenic (PMID: 31898846; internal data). This suggests that this residue is clinically significant, and that variants that disrupt this residue are likely to be disease-causing. For these reasons, this variant has been classified as Pathogenic.

Baylor Genetics
Classification: Likely pathogenic for Singleton-Merten syndrome 1. Last evaluated: 2023-05-08. Review status: criteria provided, single submitter. Criteria: ACMG Guidelines, 2015. Collection method: clinical testing. Allele origin: unknown.

Service de Biochimie Médicale et Biologie Moléculaire, CHU Clermont-Ferrand
Classification: Likely pathogenic for Aicardi-Goutieres syndrome 7. Last evaluated: 2020-02-03. Review status: criteria provided, single submitter. Criteria: ACMG Guidelines, 2015. Collection method: clinical testing. Allele origin: de novo. Inheritance: Autosomal dominant inheritance. Affected: yes. Observed: 1 heterozygote.
Comment: Variation p.(Arg799Leu) is absent from gnomAD. Two substitutions affecting the same amino-acid change is described with functional studies (Rice , 2014) indicating a "gain of function". There are 11 pathogenic predictions from DANN, DEOGEN2, EIGEN, FATHMM-MKL, M-CAP, MVP, MutationAssessor, MutationTaster, PrimateAI, REVEL and SIFT vs no benign predictions.

Laboratory of Neurogenetics and Neuroinflammation, Institut Imagine
Classification: Pathogenic for Aicardi-Goutieres syndrome 7. Last evaluated: 2019-06-11. Review status: no assertion criteria provided. Collection method: clinical testing. Allele origin: germline. Affected: yes. Observed: 1 variant allele. Not counted in ClinVar's aggregate classification.

Literature cited by the submitters: PubMed 31898846 (cited by Labcorp Genetics (formerly Invitae), Labcorp and Laboratory of Neurogenetics and Neuroinflammation, Institut Imagine).

NM_022168.4(IFIH1):c.2336G>T (p.Arg779Leu)

Gene: IFIH1 (interferon induced with helicase C domain 1; minus strand). Cytogenetic location: 2q24.2.
Variant type: single nucleotide variant.
Coding change: c.2336G>T on transcript NM_022168.4 (MANE Select); coding-DNA position 2336, G replaced by T.
Protein change: p.Arg779Leu; replaces arginine 779 with leucine.
Molecular consequence: missense variant.
Genome position (GRCh38, 1-based): chr2:162,273,913, C>A on the plus strand (G>T on the coding strand, the complement: IFIH1 is on the minus strand). VCF-style: chr2-162273913-C-A. GRCh37 (hg19) VCF-style: chr2-163130423-C-A.
Other names: short protein forms R779L.
Identifiers: ClinVar variation 812532 (VCV000812532.9), dbSNP rs587777446, ClinGen allele CA348996009.